The following is an entry in ClinVar:

ClinVar aggregate classification (germline): Uncertain significance. Review status: criteria provided, multiple submitters, no conflicts (2 of 4 stars). 2 submissions from 2 submitters: Uncertain significance (2). Last evaluated 2024-12-18.

Conditions:
ERBB4-related disorder. Also called: ERBB4-related condition.

gnomAD v4.1: 28 of 1,613,592 alleles (0.0017%); highest among the groups gnomAD compares: Admixed American, 0.0067%; no homozygotes.

Submissions (2):

PreventionGenetics, part of Exact Sciences
Classification: Uncertain significance for ERBB4-related condition. Last evaluated: 2024-12-18. Review status: criteria provided, single submitter. Criteria: ACMG Guidelines, 2015. Collection method: clinical testing. Allele origin: germline.
Comment: The ERBB4 c.3520C>T variant is predicted to result in the amino acid substitution p.Arg1174Trp. To our knowledge, this variant has not been reported in the literature. This variant is reported in 0.0087% of alleles in individuals of Latino descent in gnomAD. At this time, the clinical significance of this variant is uncertain due to the absence of conclusive functional and genetic evidence.

Labcorp Genetics (formerly Invitae), Labcorp
Classification: Uncertain significance. Last evaluated: 2024-09-29. Review status: criteria provided, single submitter. Criteria: Invitae Variant Classification Sherloc (09022015). Collection method: clinical testing. Allele origin: germline.
Comment: This sequence change replaces arginine, which is basic and polar, with tryptophan, which is neutral and slightly polar, at codon 1174 of the ERBB4 protein (p.Arg1174Trp). This variant is present in population databases (rs764035062, gnomAD 0.006%). This variant has not been reported in the literature in individuals affected with ERBB4-related conditions. An algorithm developed to predict the effect of missense changes on protein structure and function (PolyPhen-2) suggests that this variant is likely to be disruptive. In summary, the available evidence is currently insufficient to determine the role of this variant in disease. Therefore, it has been classified as a Variant of Uncertain Significance.

NM_005235.3(ERBB4):c.3520C>T (p.Arg1174Trp)

Gene: ERBB4 (erb-b2 receptor tyrosine kinase 4; minus strand). Cytogenetic location: 2q34.
Variant type: single nucleotide variant.
Coding change: c.3520C>T on transcript NM_005235.3 (MANE Select); coding-DNA position 3520, C replaced by T.
Protein change: p.Arg1174Trp; replaces arginine 1174 with tryptophan.
Molecular consequence: missense variant.
Genome position (GRCh38, 1-based): chr2:211,384,022, G>A on the plus strand (C>T on the coding strand, the complement: ERBB4 is on the minus strand). VCF-style: chr2-211384022-G-A. GRCh37 (hg19) VCF-style: chr2-212248747-G-A.
Other names: c.3472C>T, p.Arg1158Trp (NM_001042599.2); c.3520C>T (NM_005235.2); short protein forms R1158W, R1174W.
Identifiers: ClinVar variation 3709192 (VCV003709192.3).